The following is an entry in ClinVar:

NM_001348716.2(KDM6B):c.4909-44C>T

Gene: KDM6B (lysine demethylase 6B; plus strand). Cytogenetic location: 17p13.1.
Variant type: single nucleotide variant.
Coding change: c.4909-44C>T on transcript NM_001348716.2 (MANE Select); 44 bases into the intron before coding-DNA position 4909, C replaced by T.
Molecular consequence: intron variant. On other transcripts: missense variant (1).
Genome position (GRCh38, 1-based): chr17:7,853,454, C>T. VCF-style: chr17-7853454-C-T. GRCh37 (hg19) VCF-style: chr17-7756772-C-T.
Other names: c.4982C>T, p.Pro1661Leu (NM_001080424.2); c.4982C>T (NM_001080424.1); short protein forms P1661L.
Identifiers: ClinVar variation 2647417 (VCV002647417.26), dbSNP rs377433455, ClinGen allele CA8361600.

ClinVar aggregate classification (germline): Benign/Likely benign. Review status: criteria provided, multiple submitters, no conflicts (2 of 4 stars). 3 submissions from 3 submitters: Benign (1); Likely benign (2). Last evaluated 2024-11-26.

Conditions:
Inborn genetic diseases. Identifiers: MedGen C0950123, MeSH D030342.

Allele frequency attached by ClinVar (database versions not stated): 1000 Genomes Project 0.00160; 1000 Genomes Project 30x 0.00219; ExAC 0.00665; TOPMed 0.00006; gnomAD 0.00023.
gnomAD v4.1: 551 of 1,512,838 alleles (0.036%); highest among the groups gnomAD compares: South Asian, 0.64%; 5 homozygotes.

Submissions (3):

Blueprint Genetics
Classification: Likely benign. Last evaluated: 2024-11-26. Review status: criteria provided, single submitter. Criteria: ACMG Guidelines, 2015. Collection method: clinical testing. Allele origin: germline.

Ambry Genetics
Classification: Likely benign for Inborn genetic diseases. Last evaluated: 2024-09-11. Review status: criteria provided, single submitter. Criteria: Ambry Variant Classification Scheme 2023. Collection method: clinical testing. Allele origin: germline.

CeGaT Center for Human Genetics Tuebingen
Classification: Benign. Last evaluated: 2022-05-01. Review status: criteria provided, single submitter. Criteria: CeGaT Center For Human Genetics Tuebingen Variant Classification Criteria Version 2. Collection method: clinical testing. Allele origin: germline. Affected: yes. Observed: 1 variant allele.
Comment: KDM6B: BS1, BS2